The following is an entry in ClinVar:

ClinVar aggregate classification (germline): Likely pathogenic (1 of 4 stars; one submission).

Conditions:
Cardiovascular phenotype. Identifiers: MedGen CN230736.

Submission:

Ambry Genetics
Classification: Likely pathogenic for Cardiovascular phenotype. Last evaluated: 2023-11-30. Review status: criteria provided, single submitter. Criteria: Ambry Variant Classification Scheme 2023. Collection method: clinical testing. Allele origin: germline.
Comment: The c.532_533delGC (p.A178Pfs*25) alteration, located in exon 4 (coding exon 3) of the APOA1 gene, consists of a deletion of 2 nucleotides from position 532 to 533, causing a translational frameshift with a predicted alternate stop codon after 25 amino acids. This alteration occurs at the 3' terminus of the APOA1 gene, is not expected to trigger nonsense-mediated mRNA decay, and impacts the last 32% of the protein. Premature stop codons are typically deleterious in nature and a significant portion of the protein is affected (Ambry internal data). Although biallelic loss of function of APOA1 has been associated with APOA1-related hypoalphalipoproteinemia, haploinsufficiency of APOA1 has not been established as a mechanism of disease for APOA1-related amyloidosis. _x000D_ _x000D_ for autosomal dominant and recessive APOA1-related hypoalphalipoproteinemia; however, its clinical significance for autosomal dominant APOA1-related amyloidosis is uncertain. Based on data from gnomAD, the c.532_533delGC allele has an overall frequency of 0.002% (4/237196) total alleles studied. The highest observed frequency was 0.003% (1/34138) of Latino alleles. This variant has been reported homozygous in one individual with clinical characteristics of apoA-1 deficiency and premature coronary heart disease (Ikewaki, 2004). Based on the available evidence, this alteration is classified as likely pathogenic.

Literature cited by the submitters: PubMed 14709355.

NM_000039.3(APOA1):c.532_533del (p.Ala178fs)

Gene: APOA1 (apolipoprotein A1; minus strand). Cytogenetic location: 11q23.3.
Variant type: Microsatellite.
Coding change: c.532_533del on transcript NM_000039.3 (MANE Select); coding-DNA positions 532 to 533, 2 bases deleted (GC; older notation c.532_533delGC).
Protein change: p.Ala178fs; shifts the reading frame from alanine 178.
Molecular consequence: frameshift variant.
Genome position (GRCh38, 1-based): chr11:116,836,079-116,836,080, GC deleted on the plus strand (GC on the coding strand, the reverse complement: APOA1 is on the minus strand); deleting any 2 consecutive bases within chr11:116,836,079-116,836,089 gives the same sequence; the c. name uses the placement nearest the transcript's 3' end. VCF-style (leftmost placement, unchanged base first): chr11-116836078-GGC-G. GRCh37 (hg19) VCF-style: chr11-116706794-GGC-G.
Other names: c.523_524CG[4], p.Ala178Profs (NM_000039.1, NM_001425090.1); c.532_533del, p.Ala178fs (NM_001318017.2, NM_001318018.2); c.196_197CG[4], p.Ala69Profs (NM_001318021.2, NM_001425091.1, NM_001425092.1); c.478_479CG[4], p.Ala163Profs (NM_001425093.1); c.532_533delGC (NM_000039.1); short protein forms A178fs, A69fs.
Identifiers: ClinVar variation 3127886 (VCV003127886.1), dbSNP rs781350389, ClinGen allele CA6289788.
Genomic context (GRCh38, chr11:116,836,078, plus strand): 5'-CAAGCGCTGGCGCAGCTCGTCGCTGTAGGGGGCCAGATGCGTGCGCAGCGCGTCCACATG[GGC>G]GCGCGCGCGGTCGCGCATCTCCTCGCCCAGTGGGCTCAGCTTCTCTTGCAGCTCGTGCAG-3'